The following is an entry in ClinVar:

NM_004380.3(CREBBP):c.5120G>C (p.Cys1707Ser)

Gene: CREBBP (CREB binding protein; minus strand). Cytogenetic location: 16p13.3.
Variant type: single nucleotide variant.
Coding change: c.5120G>C on transcript NM_004380.3 (MANE Select); coding-DNA position 5120, G replaced by C.
Protein change: p.Cys1707Ser; replaces cysteine 1707 with serine.
Molecular consequence: missense variant.
Genome position (GRCh38, 1-based): chr16:3,731,244, C>G on the plus strand (G>C on the coding strand, the complement: CREBBP is on the minus strand). VCF-style: chr16-3731244-C-G. GRCh37 (hg19) VCF-style: chr16-3781245-C-G.
Other names: c.5006G>C, p.Cys1669Ser (NM_001079846.1); short protein forms C1707S, C1669S.
Identifiers: ClinVar variation 421366 (VCV000421366.2), dbSNP rs1064795089, ClinGen allele CA16620203.

ClinVar aggregate classification (germline): Likely pathogenic (1 of 4 stars; one submission).

Submission:

GeneDx
Classification: Likely pathogenic. Last evaluated: 2016-06-01. Review status: criteria provided, single submitter. Criteria: GeneDx Variant Classification (06012015). Collection method: clinical testing. Allele origin: germline. Affected: yes.
Comment: The C1707S variant in the CREBBP gene has not been reported previously as a pathogenic variant, nor as a benign variant, to our knowledge. The C1707S variant was not observed in approximately 6500 individuals of European and African American ancestry in the NHLBI Exome Sequencing Project, indicating it is not a common benign variant in these populations. The C1707S variant is a non-conservative amino acid substitution, which is likely to impact secondary protein structure as these residues differ in polarity, charge, size and/or other properties. This substitution occurs at a position that is conserved across species and in silico analysis predicts this variant is probably damaging to the protein structure/function. Therefore, we interpret C1707S as a likely pathogenic variant